The following is an entry in ClinVar:

NM_022173.4(TIA1):c.328G>A (p.Val110Ile)

Gene: TIA1 (TIA1 cytotoxic granule associated RNA binding protein; minus strand). Cytogenetic location: 2p13.3.
Variant type: single nucleotide variant.
Coding change: c.328G>A on transcript NM_022173.4 (MANE Select); coding-DNA position 328, G replaced by A.
Protein change: p.Val110Ile; replaces valine 110 with isoleucine.
Molecular consequence: missense variant. On other transcripts: 5 prime UTR variant (3), synonymous variant (1), non-coding transcript variant (17).
Genome position (GRCh38, 1-based): chr2:70,227,805, C>T on the plus strand (G>A on the coding strand, the complement: TIA1 is on the minus strand). VCF-style: chr2-70227805-C-T. GRCh37 (hg19) VCF-style: chr2-70454937-C-T.
Other names: c.328G>A, p.Val110Ile (NM_001351508.2, NM_001351516.2, NM_001351518.2 and 2 more transcripts); c.301G>A, p.Val101Ile (NM_001351509.2); c.295G>A, p.Val99Ile (NM_001351510.2, NM_001351521.2, NM_022037.4); c.217G>A, p.Val73Ile (NM_001351511.1); c.190G>A, p.Val64Ile (NM_001351512.1); c.184G>A, p.Val62Ile (NM_001351513.1); c.100G>A, p.Val34Ile (NM_001351514.2, NM_001351523.2); c.25G>A, p.Val9Ile (NM_001351515.2); and 4 more; short protein forms V34I, V62I, V99I, V9I, V101I, V110I, V64I, V73I.
Identifiers: ClinVar variation 846033 (VCV000846033.9), dbSNP rs776157438, ClinGen allele CA1697623.

ClinVar aggregate classification (germline): Uncertain significance (1 of 4 stars; one submission).

Conditions:
Welander distal myopathy (WDM). Also called: Welander distal myopathy, Swedish type; Distal myopathy, Swedish type; Gower's muscular dystrophy; MUSCULAR DYSTROPHY, DISTAL, LATE-ONSET, AUTOSOMAL DOMINANT. Identifiers: Orphanet 603, MedGen C0221054, MONDO:0011466, OMIM 604454.

Allele frequency attached by ClinVar (database versions not stated): ExAC 0.00001; gnomAD exomes below 0.00001.

Submission:

Labcorp Genetics (formerly Invitae), Labcorp
Classification: Uncertain significance for Welander distal myopathy. Last evaluated: 2019-01-26. Review status: criteria provided, single submitter. Criteria: Invitae Variant Classification Sherloc (09022015). Collection method: clinical testing. Allele origin: germline.
Comment: In summary, the available evidence is currently insufficient to determine the role of this variant in disease. Therefore, it has been classified as a Variant of Uncertain Significance. Algorithms developed to predict the effect of missense changes on protein structure and function (SIFT, PolyPhen-2, Align-GVGD) all suggest that this variant is likely to be disruptive, but these predictions have not been confirmed by published functional studies and their clinical significance is uncertain. This variant has not been reported in the literature in individuals with TIA1-related conditions. This variant is present in population databases (rs776157438, ExAC 0.01%). This sequence change replaces valine with isoleucine at codon 110 of the TIA1 protein (p.Val110Ile). The valine residue is highly conserved and there is a small physicochemical difference between valine and isoleucine.